The following is an entry in ClinVar:

ClinVar aggregate classification (germline): Pathogenic. Review status: reviewed by expert panel (3 of 4 stars). 10 submissions from 10 submitters: Pathogenic (1). 9 of the submissions do not count toward it. Last evaluated 2025-09-22.

Conditions:
RS1-related disorder. Also called: RS1-related condition.
Retinal dystrophy. Also called: Inherited retinal dystrophy. Identifiers: Orphanet 71862, MedGen C0854723, MeSH D058499, MONDO:0019118, HP:0000556.
Juvenile retinoschisis (RS1). Also called: X-Linked Juvenile Retinoschisis; X-linked retinoschisis. Identifiers: Orphanet 792, MedGen C3714753, MONDO:0010725, OMIM 312700.
Retinoschisis. Identifiers: MedGen C0152439, MONDO:0004579, HP:0030502.
Retinal disorder. Also called: Retinal disorders; Retinopathy; Retinopathies; Retinal Diseases. Identifiers: MedGen C0035309, MONDO:0005283, HP:0000488.

Allele frequency attached by ClinVar (database versions not stated): gnomAD exomes below 0.00001.
gnomAD v4.1: 3 of 1,210,831 alleles (0.00025%); highest among the groups gnomAD compares: Non-Finnish European, 0.00034%; no homozygotes.

Submissions (10):

ClinGen X-linked Inherited Retinal Disease Variant Curation Expert Panel, ClinGen
Classification: Pathogenic for Juvenile retinoschisis. Last evaluated: 2025-09-22. Review status: reviewed by expert panel. Criteria: ClinGen X LinkedIRD ACMG Specifications RS1 V1.0.0. Collection method: curation. Allele origin: germline. Inheritance: X-linked inheritance.
Comment: NM_000330.4(RS1):c.421C>T (p.Arg141Cys) is a missense variant encoding the substitution of arginine with cysteine at amino acid 141. This variant is absent from hemizygous individuals in gnomAD v4.1.0 (PM2_Supporting). This variant has been reported in at least 5 apparently unrelated probands meeting the PS4 requirements of a male diagnosed with X-linked retinoschisis (PMID: 34828422, PMID: 34822951, PMID: 33124204, PMID: 30025115, PMID: 39435478, PS4). At least one proband harboring this variant exhibits a phenotype including appearance of schisis and reduced visual acuity before age 13 years, which together are specific for X-linked retinoschisis (PMID: 19093009, PP4). The variant has been reported to segregate with X-linked retinoschisis through at least 3 meioses in two families (PP1_Strong; PMID: 19093009). Additional publications report on other families diagnosed with retinitis pigmentosa, however, the genotyped family members were limited to an unaffected mother and the proband, which were not included in the PP1 crtierion (PMID: 34828422, PMID: 33124204). The computational predictor REVEL gives a score of 0.817, which is within the ClinGen X-linked IRD VCEP range between 0.931 to 0.773 and predicts a damaging effect on RS1 function (PP3_Moderate). The computational splicing predictor SpliceAI gives a delta score of 0.01 for donor gain and 0.01 for acceptor gain, which is below the ClinGen X-linked IRD VCEP threshold of >0.2 and does not predict that the variant disrupts RS1 splicing. Knock-in mice harboring the variant exhibited reduced electroretinogram b-wave amplitudes and developed schisis (PMID: 31174210, PS3). In summary, this variant is classified as pathogenic for X-linked retinoschisis based on the ClinGen X-linked Inherited Retinal Disease Expert Panel Specifications to the ACMG/AMP Variant Interpretation Guidelines for RS1 Version 1.0.0: PM2_Supporting, PP3_Moderate, PS3, PS4, PP4, and PP1_Strong.

Genetics Laboratory, Great Ormond Street Hospital NHS Foundation Trust, North Thames Genomic Laboratory Hub
Classification: Likely pathogenic for Retinal disorders. Last evaluated: 2026-04-30. Review status: criteria provided, single submitter. Criteria: ACGS Best Practice Guidelines for Variant Classification in Rare Disease 2024 v1.2. Collection method: clinical testing. Allele origin: germline. Affected: yes. Not counted in ClinVar's aggregate classification.
Comment: PS4_moderate, PM2_moderate, PP3_supporting, PM5_moderate, PM1_supporting

Labcorp Genetics (formerly Invitae), Labcorp
Classification: Pathogenic. Last evaluated: 2024-10-26. Review status: criteria provided, single submitter. Criteria: Invitae Variant Classification Sherloc (09022015). Collection method: clinical testing. Allele origin: germline. Not counted in ClinVar's aggregate classification.
Comment: This sequence change replaces arginine, which is basic and polar, with cysteine, which is neutral and slightly polar, at codon 141 of the RS1 protein (p.Arg141Cys). This variant is not present in population databases (gnomAD no frequency). This missense change has been observed in individuals with X-linked retinoschisis (PMID: 9618178, 28559085). ClinVar contains an entry for this variant (Variation ID: 98959). Invitae Evidence Modeling of protein sequence and biophysical properties (such as structural, functional, and spatial information, amino acid conservation, physicochemical variation, residue mobility, and thermodynamic stability) indicates that this missense variant is expected to disrupt RS1 protein function with a positive predictive value of 95%. This variant disrupts the p.Arg141 amino acid residue in RS1. Other variant(s) that disrupt this residue have been determined to be pathogenic (PMID: 9618178, 10636429, 30450322, 30652005). This suggests that this residue is clinically significant, and that variants that disrupt this residue are likely to be disease-causing. For these reasons, this variant has been classified as Pathogenic.

Blueprint Genetics
Classification: Pathogenic for RS1-related disorders. Last evaluated: 2024-03-22. Review status: criteria provided, single submitter. Criteria: ACMG Guidelines, 2015. Collection method: clinical testing. Allele origin: germline. Affected: yes. Observed: 3 variant alleles. Not counted in ClinVar's aggregate classification.

Baylor Genetics
Classification: Pathogenic for Juvenile retinoschisis. Last evaluated: 2023-12-05. Review status: criteria provided, single submitter. Criteria: ACMG Guidelines, 2015. Collection method: clinical testing. Allele origin: unknown. Not counted in ClinVar's aggregate classification.

Institute of Human Genetics, Univ. Regensburg, Univ. Regensburg
Classification: Pathogenic for Retinal dystrophy. Last evaluated: 2023-01-01. Review status: criteria provided, single submitter. Criteria: ACMG Guidelines, 2015. Collection method: clinical testing. Allele origin: germline. Affected: yes. Not counted in ClinVar's aggregate classification.

GeneDx
Classification: Pathogenic. Last evaluated: 2022-09-14. Review status: criteria provided, single submitter. Criteria: GeneDx Variant Classification Process June 2021. Collection method: clinical testing. Allele origin: germline. Affected: yes. Not counted in ClinVar's aggregate classification.
Comment: Not observed at significant frequency in large population cohorts (gnomAD); In silico analysis supports that this missense variant does not alter protein structure/function; This variant is associated with the following publications: (PMID: 20061330, 17987333, 19324861, 15937075, 28559085, 32531858, 31429209, 34828422, 9618178, 19093009, 35456481, 31456290)

CeGaT Center for Human Genetics Tuebingen
Classification: Pathogenic. Last evaluated: 2018-11-01. Review status: criteria provided, single submitter. Criteria: CeGaT Center For Human Genetics Tuebingen Variant Classification Criteria Version 2. Collection method: clinical testing. Allele origin: germline. Affected: yes. Observed: 1 variant allele. Not counted in ClinVar's aggregate classification.

Sharon lab, Hadassah-Hebrew University Medical Center
Classification: Likely pathogenic for retinoschisis. Last evaluated: 2019-06-23. Review status: no assertion criteria provided. Collection method: research. Allele origin: inherited. Affected: yes. Not counted in ClinVar's aggregate classification.

Retina International
No classification provided. Review status: no classification provided. Collection method: not provided. Allele origin: unknown. Not counted in ClinVar's aggregate classification.

Literature cited by the submitters: PubMed 9618178 (cited by Labcorp Genetics (formerly Invitae), Labcorp and Institute of Human Genetics, Univ. Regensburg, Univ. Regensburg); PubMed 28559085 (cited by Labcorp Genetics (formerly Invitae), Labcorp and Institute of Human Genetics, Univ. Regensburg, Univ. Regensburg); PubMed 10636429 (cited by Labcorp Genetics (formerly Invitae), Labcorp); PubMed 30450322 (cited by Labcorp Genetics (formerly Invitae), Labcorp); PubMed 30652005 (cited by Labcorp Genetics (formerly Invitae), Labcorp); PubMed 20061330 (cited by Institute of Human Genetics, Univ. Regensburg, Univ. Regensburg); PubMed 31429209 (cited by Institute of Human Genetics, Univ. Regensburg, Univ. Regensburg); PubMed 31456290 (cited by Institute of Human Genetics, Univ. Regensburg, Univ. Regensburg); PubMed 32531858 (cited by Institute of Human Genetics, Univ. Regensburg, Univ. Regensburg); PubMed 34828422 (cited by Institute of Human Genetics, Univ. Regensburg, Univ. Regensburg); PubMed 35456481 (cited by Institute of Human Genetics, Univ. Regensburg, Univ. Regensburg); PubMed 34822951 (cited by Institute of Human Genetics, Univ. Regensburg, Univ. Regensburg); PubMed 34645606 (cited by Institute of Human Genetics, Univ. Regensburg, Univ. Regensburg).

NM_000330.4(RS1):c.421C>T (p.Arg141Cys)

Genes: CDKL5 (cyclin dependent kinase like 5; plus strand), RS1 (retinoschisin 1; minus strand). Cytogenetic location: Xp22.13.
Variant type: single nucleotide variant.
Coding change: c.421C>T on transcript NM_000330.4 (MANE Select); coding-DNA position 421, C replaced by T.
Protein change: p.Arg141Cys; replaces arginine 141 with cysteine.
Molecular consequence: missense variant. On other transcripts: intron variant (2).
Genome position (GRCh38, 1-based): chrX:18,644,531, G>A on the plus strand (C>T on the coding strand, the complement: RS1 is on the minus strand). VCF-style: chrX-18644531-G-A. GRCh37 (hg19) VCF-style: chrX-18662651-G-A.
Other names: NM_000330.4(RS1):c.421C>T; c.2714-1476G>A (NM_003159.3, NM_001037343.2); short protein forms R141C.
Identifiers: ClinVar variation 98959 (VCV000098959.53), dbSNP rs61752158, ClinGen allele CA226728.